The following is an entry in ClinVar:

ClinVar aggregate classification (germline): other (0 of 4 stars; one submission).

Conditions:
Familial colorectal cancer. Identifiers: MedGen CN280943, MONDO:0023113. Disease mechanism: loss of function.

Submission:

Systems Biology Platform Zhejiang California International NanoSystems Institute
Classification: other for Familial colorectal cancer. Review status: no assertion criteria provided. Collection method: not provided. Allele origin: unknown.
ClinVar note: Converted during submission from cancer to other.

NM_000038.6(APC):c.423-1514T>A

Gene: APC (APC regulator of WNT signaling pathway; plus strand). Cytogenetic location: 5q22.2.
Variant type: single nucleotide variant.
Coding change: c.423-1514T>A on transcript NM_000038.6 (MANE Select); 1514 bases into the intron before coding-DNA position 423, T replaced by A.
Molecular consequence: intron variant.
Genome position (GRCh38, 1-based): chr5:112,774,115, T>A. VCF-style: chr5-112774115-T-A. GRCh37 (hg19) VCF-style: chr5-112109812-T-A.
Other names: c.423-1514T>A (NM_001354895.2, NM_001127510.3, NM_001354896.2 and 2 more transcripts); c.453-1514T>A (NM_001354897.2, NM_001354902.2, NM_001127511.3); c.348-1514T>A (NM_001354898.2, NM_001354904.2); c.-613-1514T>A (NM_001354906.2); c.246-1514T>A (NM_001354900.2, NM_001354901.2, NM_001354905.2).
Identifiers: ClinVar variation 82903 (VCV000082903.2), dbSNP rs78800922, ClinGen allele CA009160.